The following is an entry in ClinVar:

ClinVar aggregate classification (germline): Pathogenic (1 of 4 stars; one submission).

Conditions:
Cardiovascular phenotype. Identifiers: MedGen CN230736.

Submission:

Ambry Genetics
Classification: Pathogenic for Cardiovascular phenotype. Last evaluated: 2020-03-03. Review status: criteria provided, single submitter. Criteria: Ambry Variant Classification Scheme 2023. Collection method: clinical testing. Allele origin: germline.
Comment: The c.3855delC variant, located in coding exon 22 of the FLNC gene, results from a deletion of one nucleotide at nucleotide position 3855, causing a translational frameshift with a predicted alternate stop codon (p.N1286Tfs*3). This alteration is expected to result in loss of function by premature protein truncation or nonsense-mediated mRNA decay. As such, this alteration is interpreted as a disease-causing mutation.

NM_001458.5(FLNC):c.3855del (p.Asn1286fs)

Gene: FLNC (filamin C; plus strand). Cytogenetic location: 7q32.1.
Variant type: Deletion.
Coding change: c.3855del on transcript NM_001458.5 (MANE Select); coding-DNA position 3855, one base deleted (C; older notation c.3855delC).
Protein change: p.Asn1286fs; shifts the reading frame from asparagine 1286.
Molecular consequence: frameshift variant.
Genome position (GRCh38, 1-based): chr7:128,846,054, C deleted. VCF-style (leftmost placement, unchanged base first): chr7-128846053-GC-G. GRCh37 (hg19) VCF-style: chr7-128486107-GC-G.
Other names: c.3855del, p.Asn1286fs (NM_001127487.2); short protein forms N1286fs.
Identifiers: ClinVar variation 1735548 (VCV001735548.2), dbSNP rs2536640850, ClinGen allele CA2580076632.